The following is an entry in ClinVar:

NM_001206927.2(DNAH8):c.5821G>A (p.Val1941Met)

Gene: DNAH8 (dynein axonemal heavy chain 8; plus strand). Cytogenetic location: 6p21.2.
Variant type: single nucleotide variant.
Coding change: c.5821G>A on transcript NM_001206927.2 (MANE Select); coding-DNA position 5821, G replaced by A.
Protein change: p.Val1941Met; replaces valine 1941 with methionine.
Molecular consequence: missense variant.
Genome position (GRCh38, 1-based): chr6:38,857,605, G>A. VCF-style: chr6-38857605-G-A. GRCh37 (hg19) VCF-style: chr6-38825381-G-A.
Other names: c.5170G>A, p.Val1724Met (NM_001371.4); short protein forms V1724M, V1941M.
Identifiers: ClinVar variation 1469386 (VCV001469386.8), dbSNP rs2150401217, ClinGen allele CA364018344.
Genomic context (GRCh38, chr6:38,857,605, plus strand): 5'-TGGACACACGATTCAGAAGAGGCTTTACGTAATGCAAAAGATGACAGGAAAATCATGCAA[G>A]TGACCAATCAGAAATTTTTGGATATTCTAAATACTCTCATTAGTCAGACAACACATGATC-3'
Protein context (NP_001193856.1, residues 1931-1951): NAKDDRKIMQ[Val1941Met]TNQKFLDILN

ClinVar aggregate classification (germline): Uncertain significance (1 of 4 stars; one submission).

Conditions:
Primary ciliary dyskinesia. Also called: Ciliary dyskinesia. Identifiers: Orphanet 244, MedGen C0008780, MONDO:0016575, HP:0012265.

Submission:

Labcorp Genetics (formerly Invitae), Labcorp
Classification: Uncertain significance for Primary ciliary dyskinesia. Last evaluated: 2020-12-04. Review status: criteria provided, single submitter. Criteria: Invitae Variant Classification Sherloc (09022015). Collection method: clinical testing. Allele origin: germline.
Comment: In summary, the available evidence is currently insufficient to determine the role of this variant in disease. Therefore, it has been classified as a Variant of Uncertain Significance. Algorithms developed to predict the effect of missense changes on protein structure and function output the following: SIFT: "Tolerated"; PolyPhen-2: "Not Available"; Align-GVGD: "Class C0". The methionine amino acid residue is found in multiple mammalian species, suggesting that this missense change does not adversely affect protein function. These predictions have not been confirmed by published functional studies and their clinical significance is uncertain. This variant has not been reported in the literature in individuals with DNAH8-related conditions. This variant is not present in population databases (ExAC no frequency). This sequence change replaces valine with methionine at codon 1941 of the DNAH8 protein (p.Val1941Met). The valine residue is weakly conserved and there is a small physicochemical difference between valine and methionine.